The following is an entry in ClinVar:

NM_032776.3(JMJD1C):c.156T>A (p.Asn52Lys)

Genes: JMJD1C (jumonji domain containing 1C; minus strand), JMJD1C-AS1 (JMJD1C antisense RNA 1; plus strand). Cytogenetic location: 10q21.3.
Variant type: single nucleotide variant.
Coding change: c.156T>A on transcript NM_032776.3 (MANE Select); coding-DNA position 156, T replaced by A.
Protein change: p.Asn52Lys; replaces asparagine 52 with lysine.
Molecular consequence: missense variant. On other transcripts: non-coding transcript variant (1), intron variant (2).
Genome position (GRCh38, 1-based): chr10:63,465,507, A>T on the plus strand (T>A on the coding strand, the complement: JMJD1C is on the minus strand). VCF-style: chr10-63465507-A-T. GRCh37 (hg19) VCF-style: chr10-65225267-A-T.
Other names: c.156T>A, p.Asn52Lys (NM_001322252.2); c.-384+56231T>A (NM_001322258.2); c.-379+56231T>A (NM_001318154.2); short protein forms N52K.
Identifiers: ClinVar variation 4771523 (VCV004771523.1).

ClinVar aggregate classification (germline): Uncertain significance (1 of 4 stars; one submission).

Conditions:
Early Myoclonic Encephalopathy. Identifiers: MedGen C0270855.

gnomAD v4.1: 1 of 1,604,276 alleles (0.000062%); highest among the groups gnomAD compares: Non-Finnish European, 0.000085%; no homozygotes.

Submission:

Labcorp Genetics (formerly Invitae), Labcorp
Classification: Uncertain significance for Early Myoclonic Encephalopathy. Last evaluated: 2025-12-15. Review status: criteria provided, single submitter. Criteria: Invitae Variant Classification Sherloc (09022015). Collection method: clinical testing. Allele origin: germline.
Comment: This sequence change replaces asparagine, which is neutral and polar, with lysine, which is basic and polar, at codon 52 of the JMJD1C protein (p.Asn52Lys). This variant is not present in population databases (gnomAD no frequency). This variant has not been reported in the literature in individuals affected with JMJD1C-related conditions. An algorithm developed to predict the effect of missense changes on protein structure and function (PolyPhen-2) suggests that this variant is likely to be tolerated. In summary, the available evidence is currently insufficient to determine the role of this variant in disease. Therefore, it has been classified as a Variant of Uncertain Significance.